The following is an entry in ClinVar:

NM_000179.3(MSH6):c.868C>T (p.Leu290=)

Gene: MSH6 (mutS homolog 6; plus strand). Cytogenetic location: 2p16.3.
Variant type: single nucleotide variant.
Coding change: c.868C>T on transcript NM_000179.3 (MANE Select); coding-DNA position 868, C replaced by T.
Protein change: p.Leu290=; no amino-acid change (leucine 290 retained).
Molecular consequence: synonymous variant. On other transcripts: 5 prime UTR variant (2).
Genome position (GRCh38, 1-based): chr2:47,798,851, C>T. VCF-style: chr2-47798851-C-T. GRCh37 (hg19) VCF-style: chr2-48025990-C-T.
Other names: c.478C>T, p.Leu160= (NM_001281492.2); c.-39C>T (NM_001281493.2, NM_001281494.2).
Identifiers: ClinVar variation 1668350 (VCV001668350.11), dbSNP rs2104302714, ClinGen allele CA426120942.

ClinVar aggregate classification (germline): Benign/Likely benign. Review status: criteria provided, multiple submitters, no conflicts (2 of 4 stars). 3 submissions from 3 submitters: Benign (1); Likely benign (2). Last evaluated 2024-12-20.

Conditions:
Hereditary cancer-predisposing syndrome. Also called: Hereditary neoplastic syndrome; Neoplastic Syndromes, Hereditary; Tumor predisposition; Hereditary Cancer Syndrome. Identifiers: Orphanet 140162, MedGen C0027672, MeSH D009386, MONDO:0015356.
Hereditary nonpolyposis colorectal neoplasms. Identifiers: MedGen C0009405, MeSH D003123.
Lynch syndrome 5 (LYNCH5). Also called: Colorectal cancer, hereditary nonpolyposis, type 5; Hereditary non-polyposis colorectal cancer, type 5. Identifiers: Orphanet 144, MedGen C1833477, MONDO:0013710, OMIM 614350. Disease mechanism: loss of function.

Allele frequency attached by ClinVar (database versions not stated): gnomAD exomes below 0.00001.
gnomAD v4.1: 1 of 1,614,122 alleles (0.000062%); highest among the groups gnomAD compares: Non-Finnish European, 0.000085%; no homozygotes.

Submissions (3):

Myriad Genetics, Inc.
Classification: Benign for Lynch syndrome 5. Last evaluated: 2024-12-20. Review status: criteria provided, single submitter. Criteria: Myriad Autosomal Dominant, Autosomal Recessive and X-Linked Classification Criteria (2023). Collection method: clinical testing. Allele origin: unknown.
Comment: This variant is considered benign. This variant is a silent/synonymous amino acid change and it is not expected to impact splicing.

Labcorp Genetics (formerly Invitae), Labcorp
Classification: Likely benign for Hereditary nonpolyposis colorectal neoplasms. Last evaluated: 2021-01-01. Review status: criteria provided, single submitter. Criteria: Invitae Variant Classification Sherloc (09022015). Collection method: clinical testing. Allele origin: germline.

Ambry Genetics
Classification: Likely benign for Hereditary cancer-predisposing syndrome. Last evaluated: 2020-08-07. Review status: criteria provided, single submitter. Criteria: Ambry Variant Classification Scheme 2023. Collection method: clinical testing. Allele origin: germline.